The following is an entry in ClinVar:

ClinVar aggregate classification (germline): Uncertain significance (1 of 4 stars; one submission).

Conditions:
Inborn genetic diseases. Identifiers: MedGen C0950123, MeSH D030342.

Submission:

Ambry Genetics
Classification: Uncertain significance for Inborn genetic diseases. Last evaluated: 2026-06-08. Review status: criteria provided, single submitter. Criteria: Ambry Variant Classification Scheme 2023. Collection method: clinical testing. Allele origin: germline.
Comment: The p.C723S variant (also known as c.2168G>C), located in coding exon 13 of the RECQL4 gene, results from a G to C substitution at nucleotide position 2168. The cysteine at codon 723 is replaced by serine, an amino acid with dissimilar properties. This amino acid position is conserved. In addition, this alteration is predicted to be deleterious by in silico analysis. Based on the available evidence, the clinical significance of this variant remains unclear.

NM_004260.4(RECQL4):c.2168G>C (p.Cys723Ser)

Gene: RECQL4 (RecQ like helicase 4; minus strand). Cytogenetic location: 8q24.3.
Variant type: single nucleotide variant.
Coding change: c.2168G>C on transcript NM_004260.4 (MANE Select); coding-DNA position 2168, G replaced by C.
Protein change: p.Cys723Ser; replaces cysteine 723 with serine.
Molecular consequence: missense variant. On other transcripts: non-coding transcript variant (2).
Genome position (GRCh38, 1-based): chr8:144,513,603, C>G on the plus strand (G>C on the coding strand, the complement: RECQL4 is on the minus strand). VCF-style: chr8-144513603-C-G. GRCh37 (hg19) VCF-style: chr8-145738987-C-G.
Other names: c.1097G>C, p.Cys366Ser (NM_001413040.1, NM_001413034.1, NM_001413035.1 and 6 more transcripts); c.1031G>C, p.Cys344Ser (NM_001413041.1, NM_001413032.1, NM_001413027.1 and 1 more transcripts); c.1067G>C, p.Cys356Ser (NM_001413042.1); c.701G>C, p.Cys234Ser (NM_001413043.1); c.899G>C, p.Cys300Ser (NM_001413031.1); c.2036G>C, p.Cys679Ser (NM_001413033.1); c.2168G>C, p.Cys723Ser (NM_001413036.1, NM_001413018.1, NM_001413019.1); c.965G>C, p.Cys322Ser (NM_001413037.1); and 4 more; short protein forms C234S, C300S, C322S, C344S, C356S, C366S, C606S, C679S.
Identifiers: ClinVar variation 4863211 (VCV004863211.1).